The following is an entry in ClinVar:

ClinVar aggregate classification (germline): Benign (1 of 4 stars; one submission).

Conditions:
Lynch syndrome 4 (LYNCH4). Also called: Colorectal cancer, hereditary nonpolyposis, type 4; Hereditary non-polyposis colorectal cancer, type 4. Identifiers: Orphanet 144, MedGen C1838333, MONDO:0013699, OMIM 614337. Disease mechanism: loss of function.

Submission:

Myriad Genetics, Inc.
Classification: Benign for Lynch syndrome 4. Last evaluated: 2025-01-23. Review status: criteria provided, single submitter. Criteria: Myriad Autosomal Dominant, Autosomal Recessive and X-Linked Classification Criteria (2023). Collection method: clinical testing. Allele origin: unknown.
Comment: This variant is considered benign. This variant is a silent/synonymous amino acid change and it is not expected to impact splicing.

NM_000535.7(PMS2):c.246C>G (p.Gly82=)

Gene: PMS2 (PMS1 homolog 2, mismatch repair system component; minus strand). Cytogenetic location: 7p22.1.
Variant type: single nucleotide variant.
Coding change: c.246C>G on transcript NM_000535.7 (MANE Select); coding-DNA position 246, C replaced by G.
Protein change: p.Gly82=; no amino-acid change (glycine 82 retained).
Molecular consequence: synonymous variant. On other transcripts: 5 prime UTR variant (37), missense variant (7), non-coding transcript variant (1), intron variant (1).
Genome position (GRCh38, 1-based): chr7:6,003,976, G>C on the plus strand (C>G on the coding strand, the complement: PMS2 is on the minus strand). VCF-style: chr7-6003976-G-C. GRCh37 (hg19) VCF-style: chr7-6043607-G-C.
Other names: c.-160C>G (NM_001322003.2, NM_001322004.2, NM_001322005.2 and 13 more transcripts); c.246C>G, p.Gly82= (NM_001322006.2, NM_001322014.2, NM_001406868.1 and 10 more transcripts); c.31C>G, p.Leu11Val (NM_001322007.2, NM_001322008.2, NM_001406876.1 and 4 more transcripts); c.-639C>G (NM_001322011.2, NM_001322012.2); c.-239C>G (NM_001322015.2, NM_001406875.1, NM_001406877.1 and 3 more transcripts); c.432C>G, p.Gly144= (NM_001406866.1); c.-186C>G (NM_001406880.1); c.-136C>G (NM_001406881.1, NM_001406900.1); and 3 more; short protein forms L11V.
Identifiers: ClinVar variation 3903620 (VCV003903620.1).